The following is an entry in ClinVar:

ClinVar aggregate classification (germline): Likely benign (1 of 4 stars; one submission).

Allele frequency attached by ClinVar (database versions not stated): TOPMed below 0.00001.
gnomAD v4.1: 25 of 1,603,412 alleles (0.0016%); highest among the groups gnomAD compares: Non-Finnish European, 0.002%; no homozygotes.

Submission:

CeGaT Center for Human Genetics Tuebingen
Classification: Likely benign. Last evaluated: 2022-09-01. Review status: criteria provided, single submitter. Criteria: CeGaT Center For Human Genetics Tuebingen Variant Classification Criteria Version 2. Collection method: clinical testing. Allele origin: germline. Affected: yes. Observed: 1 variant allele.
Comment: DLGAP1: BP4, BP7

NM_004746.4(DLGAP1):c.567G>A (p.Ala189=)

Genes: DLGAP1 (DLG associated protein 1; minus strand), DLGAP1-AS3 (DLGAP1 antisense RNA 3; plus strand). Cytogenetic location: 18p11.31.
Variant type: single nucleotide variant.
Coding change: c.567G>A on transcript NM_004746.4 (MANE Select); coding-DNA position 567, G replaced by A.
Protein change: p.Ala189=; no amino-acid change (alanine 189 retained).
Molecular consequence: synonymous variant.
Genome position (GRCh38, 1-based): chr18:3,879,502, C>T on the plus strand (G>A on the coding strand, the complement: DLGAP1 is on the minus strand). VCF-style: chr18-3879502-C-T. GRCh37 (hg19) VCF-style: chr18-3879502-C-T.
Other names: c.567G>A, p.Ala189= (NM_001398525.1, NM_001398526.1, NM_001398527.1 and 2 more transcripts).
Identifiers: ClinVar variation 2648534 (VCV002648534.24), dbSNP rs763053440, ClinGen allele CA502799456.